The following is an entry in ClinVar:

NM_021072.4(HCN1):c.2404T>C (p.Ser802Pro)

Gene: HCN1 (hyperpolarization activated cyclic nucleotide gated potassium channel 1; minus strand). Cytogenetic location: 5p12.
Variant type: single nucleotide variant.
Coding change: c.2404T>C on transcript NM_021072.4 (MANE Select); coding-DNA position 2404, T replaced by C.
Protein change: p.Ser802Pro; replaces serine 802 with proline.
Molecular consequence: missense variant.
Genome position (GRCh38, 1-based): chr5:45,262,190, A>G on the plus strand (T>C on the coding strand, the complement: HCN1 is on the minus strand). VCF-style: chr5-45262190-A-G. GRCh37 (hg19) VCF-style: chr5-45262292-A-G.
Other names: short protein forms S802P.
Identifiers: ClinVar variation 864113 (VCV000864113.10), dbSNP rs1461281527, ClinGen allele CA359703406.

ClinVar aggregate classification (germline): Uncertain significance (1 of 4 stars; one submission).

Conditions:
Early-infantile DEE. Also called: Early infantile epileptic encephalopathy; Early infantile epileptic encephalopathy with suppression bursts; Ohtahara syndrome. Identifiers: Orphanet 1934, MedGen C0393706, MONDO:0800491.

Allele frequency attached by ClinVar (database versions not stated): gnomAD exomes 0.00001; TOPMed 0.00001.
gnomAD v4.1: 3 of 1,614,014 alleles (0.00019%); highest among the groups gnomAD compares: Non-Finnish European, 0.00025%; no homozygotes.

Submission:

Labcorp Genetics (formerly Invitae), Labcorp
Classification: Uncertain significance for Early-infantile DEE. Last evaluated: 2026-01-19. Review status: criteria provided, single submitter. Criteria: Invitae Variant Classification Sherloc (09022015). Collection method: clinical testing. Allele origin: germline.
Comment: This sequence change replaces serine, which is neutral and polar, with proline, which is neutral and non-polar, at codon 802 of the HCN1 protein (p.Ser802Pro). This variant is not present in population databases (gnomAD no frequency). This variant has not been reported in the literature in individuals affected with HCN1-related conditions. ClinVar contains an entry for this variant (Variation ID: 864113). Invitae Evidence Modeling of protein sequence and biophysical properties (such as structural, functional, and spatial information, amino acid conservation, physicochemical variation, residue mobility, and thermodynamic stability) indicates that this missense variant is not expected to disrupt HCN1 protein function with a negative predictive value of 95%. In summary, the available evidence is currently insufficient to determine the role of this variant in disease. Therefore, it has been classified as a Variant of Uncertain Significance.